The following is an entry in ClinVar:

NM_000038.6(APC):c.7300A>G (p.Arg2434Gly)

Gene: APC (APC regulator of Wnt signaling pathway; plus strand). Cytogenetic location: 5q22.2.
Variant type: single nucleotide variant.
Coding change: c.7300A>G on transcript NM_000038.6 (MANE Select); coding-DNA position 7300, A replaced by G.
Protein change: p.Arg2434Gly; replaces arginine 2434 with glycine.
Molecular consequence: missense variant. On other transcripts: non-coding transcript variant (2).
Genome position (GRCh38, 1-based): chr5:112,842,894, A>G. VCF-style: chr5-112842894-A-G. GRCh37 (hg19) VCF-style: chr5-112178591-A-G.
Other names: c.7300A>G, p.Arg2434Gly (NM_001127510.3, NM_001354895.2, NM_001407450.1); c.7246A>G, p.Arg2416Gly (NM_001127511.3); c.7354A>G, p.Arg2452Gly (NM_001354896.2, NM_001407447.1, NM_001407448.1 and 1 more transcripts); c.7330A>G, p.Arg2444Gly (NM_001354897.2); c.7225A>G, p.Arg2409Gly (NM_001354898.2); c.7216A>G, p.Arg2406Gly (NM_001354899.2); c.7177A>G, p.Arg2393Gly (NM_001354900.2); c.7123A>G, p.Arg2375Gly (NM_001354901.2, NM_001407453.1); and 11 more; short protein forms R2343G, R2351G, R2375G, R2393G, R2416G, R2305G, R2333G, R2434G.
Identifiers: ClinVar variation 4782021 (VCV004782021.1).
Genomic context (GRCh38, chr5:112,842,894, plus strand): 5'-GTAGAACTTTCTAGAATGTCTTCAACTAAATCAAGTGGAAGTGAATCTGATAGATCAGAA[A>G]GACCTGTATTAGTACGCCAGTCAACTTTCATCAAAGAAGCTCCAAGCCCAACCTTAAGAA-3'
Protein context (NP_000029.2, residues 2424-2444): SSGSESDRSE[Arg2434Gly]PVLVRQSTFI

ClinVar aggregate classification (germline): Uncertain significance (1 of 4 stars; one submission).

Conditions:
Familial adenomatous polyposis 1 (FAP1). Also called: FAMILIAL ADENOMATOUS POLYPOSIS 1, ATTENUATED; POLYPOSIS, ADENOMATOUS INTESTINAL. Identifiers: MedGen C2713442, MONDO:0021056, OMIM 175100. Disease mechanism: loss of function.

Submission:

Labcorp Genetics (formerly Invitae), Labcorp
Classification: Uncertain significance for Familial adenomatous polyposis 1. Last evaluated: 2025-08-20. Review status: criteria provided, single submitter. Criteria: Invitae Variant Classification Sherloc (09022015). Collection method: clinical testing. Allele origin: germline.
Comment: This sequence change replaces arginine, which is basic and polar, with glycine, which is neutral and non-polar, at codon 2434 of the APC protein (p.Arg2434Gly). This variant is not present in population databases (gnomAD no frequency). This variant has not been reported in the literature in individuals affected with APC-related conditions. Invitae Evidence Modeling of protein sequence and biophysical properties (such as structural, functional, and spatial information, amino acid conservation, physicochemical variation, residue mobility, and thermodynamic stability) indicates that this missense variant is not expected to disrupt APC protein function with a negative predictive value of 95%. In summary, the available evidence is currently insufficient to determine the role of this variant in disease. Therefore, it has been classified as a Variant of Uncertain Significance.